The following is an entry in ClinVar:

ClinVar aggregate classification (germline): Uncertain significance. Review status: criteria provided, multiple submitters, no conflicts (2 of 4 stars). 5 submissions from 5 submitters: Uncertain significance (5). Last evaluated 2026-05-28.

Conditions:
VCL-related disorder. Also called: VCL-related condition.
Cardiovascular phenotype. Identifiers: MedGen CN230736.
Hypertrophic cardiomyopathy 15. Identifiers: MedGen C2750459, MONDO:0013200, OMIM 613255.
Dilated cardiomyopathy 1W (CMD1W). Identifiers: Orphanet 154, MedGen C1969639, MONDO:0012667, OMIM 611407.

Allele frequency attached by ClinVar (database versions not stated): gnomAD exomes below 0.00001 and 0.00001; gnomAD 0.00003 and 0.00004; TOPMed 0.00003.
gnomAD v4.1: 14 of 1,612,538 alleles (0.00087%); highest among the groups gnomAD compares: Non-Finnish European, 0.0012%; no homozygotes.

Submissions (5):

PreventionGenetics, part of Exact Sciences
Classification: Uncertain significance for VCL-related condition. Last evaluated: 2026-05-28. Review status: criteria provided, single submitter. Criteria: ACMG Guidelines, 2015. Collection method: clinical testing. Allele origin: germline.
Comment: The VCL c.2399A>T variant is predicted to result in the amino acid substitution p.Asp800Val. To our knowledge, this variant has not been reported in the literature. This variant is reported in 0.0016% of alleles in individuals of European (Non-Finnish) descent in gnomAD. At this time, the clinical significance of this variant is uncertain due to the absence of conclusive functional and genetic evidence.

Ambry Genetics
Classification: Uncertain significance for Cardiovascular phenotype. Last evaluated: 2025-02-20. Review status: criteria provided, single submitter. Criteria: Ambry Variant Classification Scheme 2023. Collection method: clinical testing. Allele origin: germline.
Comment: The p.D800V variant (also known as c.2399A>T), located in coding exon 16 of the VCL gene, results from an A to T substitution at nucleotide position 2399. The aspartic acid at codon 800 is replaced by valine, an amino acid with highly dissimilar properties. This amino acid position is well conserved in available vertebrate species. In addition, the in silico prediction for this alteration is inconclusive. Since supporting evidence is limited at this time, the clinical significance of this alteration remains unclear.

Labcorp Genetics (formerly Invitae), Labcorp
Classification: Uncertain significance for Dilated cardiomyopathy 1W. Last evaluated: 2024-11-27. Review status: criteria provided, single submitter. Criteria: Invitae Variant Classification Sherloc (09022015). Collection method: clinical testing. Allele origin: germline.
Comment: This sequence change replaces aspartic acid, which is acidic and polar, with valine, which is neutral and non-polar, at codon 800 of the VCL protein (p.Asp800Val). This variant is present in population databases (no rsID available, gnomAD 0.002%). This variant has not been reported in the literature in individuals affected with VCL-related conditions. ClinVar contains an entry for this variant (Variation ID: 518770). An algorithm developed to predict the effect of missense changes on protein structure and function (PolyPhen-2) suggests that this variant¬†is likely to be tolerated. In summary, the available evidence is currently insufficient to determine the role of this variant in disease. Therefore, it has been classified as a Variant of Uncertain Significance.

Fulgent Genetics
Classification: Uncertain significance for Dilated cardiomyopathy 1W; Hypertrophic cardiomyopathy 15. Last evaluated: 2021-08-13. Review status: criteria provided, single submitter. Criteria: ACMG Guidelines, 2015. Collection method: clinical testing. Allele origin: unknown.

GeneDx
Classification: Uncertain significance. Last evaluated: 2019-07-11. Review status: criteria provided, single submitter. Criteria: GeneDx Variant Classification Process June 2021. Collection method: clinical testing. Allele origin: germline. Affected: yes.
Comment: Has not been previously published as pathogenic or benign to our knowledge; Reported in ClinVar but additional evidence is not available (ClinVar Variant ID# 518770; Landrum et al., 2016); Not observed at a significant frequency in large population cohorts (Lek et al., 2016); In silico analysis, which includes protein predictors and evolutionary conservation, supports a deleterious effect

NM_014000.3(VCL):c.2399A>T (p.Asp800Val)

Gene: VCL (vinculin; plus strand). Cytogenetic location: 10q22.2.
Variant type: single nucleotide variant.
Coding change: c.2399A>T on transcript NM_014000.3 (MANE Select); coding-DNA position 2399, A replaced by T.
Protein change: p.Asp800Val; replaces aspartic acid 800 with valine.
Molecular consequence: missense variant.
Genome position (GRCh38, 1-based): chr10:74,105,318, A>T. VCF-style: chr10-74105318-A-T. GRCh37 (hg19) VCF-style: chr10-75865076-A-T.
Other names: c.2399A>T, p.Asp800Val (NM_003373.4); short protein forms D800V.
Identifiers: ClinVar variation 518770 (VCV000518770.16), dbSNP rs919509789, ClinGen allele CA209694223.
Genomic context (GRCh38, chr10:74,105,318, plus strand): 5'-GTGAGGCTGTGAAAGCTGCCTCTGATGAATTGAGCAAAACCATCTCCCCGATGGTGATGG[A>T]TGCAAAAGCTGTGGCTGGAAACATTTCCGACCCTGGTAAGCAATGCATGGCACTATGTCT-3'
Protein context (NP_054706.1, residues 790-810): LSKTISPMVM[Asp800Val]AKAVAGNISD